The following is an entry in ClinVar:

ClinVar aggregate classification (germline): Pathogenic. Review status: criteria provided, multiple submitters, no conflicts (2 of 4 stars). 3 submissions from 3 submitters: Pathogenic (3). Last evaluated 2024-12-06.

Conditions:
CDH23-related disorder. Also called: CDH23-related disorders; CDH23-related condition.
Usher syndrome. Also called: Usher Syndromes; Usher's syndrome. Identifiers: Orphanet 886, MedGen CN469326, MeSH D052245, MONDO:0019501. Disease mechanism: loss of function.

Allele frequency attached by ClinVar (database versions not stated): gnomAD exomes below 0.00001; TOPMed below 0.00001; gnomAD 0.00001.
gnomAD v4.1: 6 of 1,571,702 alleles (0.00038%); highest among the groups gnomAD compares: Non-Finnish European, 0.00052%; no homozygotes.

Submissions (3):

Women's Health and Genetics/Laboratory Corporation of America, LabCorp
Classification: Pathogenic for Usher syndrome. Last evaluated: 2024-12-06. Review status: criteria provided, single submitter. Criteria: LabCorp Variant Classification Summary - May 2015. Collection method: clinical testing. Allele origin: germline.
Comment: Variant summary: CDH23 c.65G>A (p.Trp22X) results in a premature termination codon, predicted to cause a truncation of the encoded protein or absence of the protein due to nonsense mediated decay, which are commonly known mechanisms for disease. The variant allele was found at a frequency of 5.4e-06 in 184038 control chromosomes (gnomAD). c.65G>A has been reported in the literature in at least an individual affected with Usher Syndrome (example: Roux_2006). These data indicate that the variant may be associated with disease. To our knowledge, no experimental evidence demonstrating an impact on protein function has been reported. The following publication have been ascertained in the context of this evaluation (PMID: 16679490). ClinVar contains an entry for this variant (Variation ID: 1071750). Based on the evidence outlined above, the variant was classified as pathogenic.

Blueprint Genetics
Classification: Pathogenic for CDH23-related disorders. Last evaluated: 2022-01-24. Review status: criteria provided, single submitter. Criteria: ACMG Guidelines, 2015. Collection method: clinical testing. Allele origin: germline. Affected: yes. Observed: 2 variant alleles.

Labcorp Genetics (formerly Invitae), Labcorp
Classification: Pathogenic. Last evaluated: 2020-02-01. Review status: criteria provided, single submitter. Criteria: Invitae Variant Classification Sherloc (09022015). Collection method: clinical testing. Allele origin: germline.
Comment: For these reasons, this variant has been classified as Pathogenic. This variant has been observed in individual(s) with Usher syndrome type 1 (PMID: 16679490). Loss-of-function variants in CDH23 are known to be pathogenic (PMID: 11138009, 21940737). Algorithms developed to predict the effect of sequence changes on RNA splicing suggest that this variant may create or strengthen a splice site, but this prediction has not been confirmed by published transcriptional studies. This variant is not present in population databases (ExAC no frequency). This sequence change creates a premature translational stop signal (p.Trp22*) in the CDH23 gene. It is expected to result in an absent or disrupted protein product.

Literature cited by the submitters: PubMed 16679490 (cited by Women's Health and Genetics/Laboratory Corporation of America, LabCorp and Labcorp Genetics (formerly Invitae), Labcorp); PubMed 11138009 (cited by Labcorp Genetics (formerly Invitae), Labcorp); PubMed 21940737 (cited by Labcorp Genetics (formerly Invitae), Labcorp).

NM_022124.6(CDH23):c.65G>A (p.Trp22Ter)

Gene: CDH23 (cadherin related 23; plus strand). Cytogenetic location: 10q22.1.
Variant type: single nucleotide variant.
Coding change: c.65G>A on transcript NM_022124.6 (MANE Select); coding-DNA position 65, G replaced by A.
Protein change: p.Trp22Ter; replaces tryptophan 22 with a stop codon.
Molecular consequence: nonsense.
Genome position (GRCh38, 1-based): chr10:71,439,896, G>A. VCF-style: chr10-71439896-G-A. GRCh37 (hg19) VCF-style: chr10-73199653-G-A.
Other names: c.65G>A, p.Trp22Ter (NM_001171930.2, NM_001171931.2, NM_001171932.2 and 1 more transcripts); short protein forms W22*.
Identifiers: ClinVar variation 1071750 (VCV001071750.11), dbSNP rs1431027601, ClinGen allele CA377112631.